The following is an entry in ClinVar:

NM_019032.6(ADAMTSL4):c.2311C>T (p.Arg771Trp)

Gene: ADAMTSL4 (ADAMTS like 4; plus strand). Cytogenetic location: 1q21.2.
Variant type: single nucleotide variant.
Coding change: c.2311C>T on transcript NM_019032.6 (MANE Select); coding-DNA position 2311, C replaced by T.
Protein change: p.Arg771Trp; replaces arginine 771 with tryptophan.
Molecular consequence: missense variant.
Genome position (GRCh38, 1-based): chr1:150,558,078, C>T. VCF-style: chr1-150558078-C-T. GRCh37 (hg19) VCF-style: chr1-150530554-C-T.
Other names: c.2194C>T, p.Arg732Trp (NM_001288607.2); c.2380C>T, p.Arg794Trp (NM_001288608.2); c.2311C>T, p.Arg771Trp (NM_001378596.1, NM_025008.5); short protein forms R771W, R794W, R732W.
Identifiers: ClinVar variation 875376 (VCV000875376.8), dbSNP rs149017342, ClinGen allele CA1078620.

ClinVar aggregate classification (germline): Conflicting classifications of pathogenicity. Review status: criteria provided, conflicting classifications (1 of 4 stars). 5 submissions from 4 submitters: Uncertain significance (4); Likely benign (1). Last evaluated 2024-09-20.

Conditions:
Ectopia lentis et pupillae. Also called: ECTOPIA LENTIS WITH ECTOPIA OF PUPIL. Identifiers: Orphanet 1885, MedGen C1644196, MONDO:0009153, OMIM 225200.
Ectopia lentis 2, isolated, autosomal recessive (ECTOL2). Identifiers: Orphanet 1885, MedGen C3541474, MONDO:0009152, OMIM 225100.

Allele frequency attached by ClinVar (database versions not stated): ESP Exome Variant Server 0.00008; gnomAD 0.00019 and 0.00022; ExAC 0.00020; gnomAD exomes 0.00021; TOPMed 0.00022; 1000 Genomes Project 30x 0.00094; 1000 Genomes Project 0.00100.
gnomAD v4.1: 196 of 1,613,210 alleles (0.012%); highest among the groups gnomAD compares: East Asian, 0.085%; no homozygotes.

Submissions (5):

3billion
Classification: Likely benign for Ectopia lentis et pupillae; Ectopia lentis 2, isolated, autosomal recessive. Last evaluated: 2024-09-20. Review status: criteria provided, single submitter. Criteria: ACMG Guidelines, 2015. Collection method: clinical testing. Allele origin: germline. Affected: no.
Comment: The homozygous variant was found in patients diagnosed with another variant in a different gene, with no symptoms related to the gene containing the homozygous variant.

Genome-Nilou Lab
Classification: Uncertain significance for Ectopia lentis et pupillae. Last evaluated: 2023-04-11. Review status: criteria provided, single submitter. Criteria: ACMG Guidelines, 2015. Collection method: clinical testing. Allele origin: germline. Affected: no.

Genome-Nilou Lab
Classification: Uncertain significance for Ectopia lentis 2, isolated, autosomal recessive. Last evaluated: 2023-04-11. Review status: criteria provided, single submitter. Criteria: ACMG Guidelines, 2015. Collection method: clinical testing. Allele origin: germline. Affected: no.

Labcorp Genetics (formerly Invitae), Labcorp
Classification: Uncertain significance. Last evaluated: 2022-08-22. Review status: criteria provided, single submitter. Criteria: Invitae Variant Classification Sherloc (09022015). Collection method: clinical testing. Allele origin: germline.
Comment: This sequence change replaces arginine, which is basic and polar, with tryptophan, which is neutral and slightly polar, at codon 771 of the ADAMTSL4 protein (p.Arg771Trp). This variant is present in population databases (rs149017342, gnomAD 0.1%). This variant has not been reported in the literature in individuals affected with ADAMTSL4-related conditions. ClinVar contains an entry for this variant (Variation ID: 875376). Algorithms developed to predict the effect of missense changes on protein structure and function (SIFT, PolyPhen-2, Align-GVGD) all suggest that this variant is likely to be disruptive. In summary, the available evidence is currently insufficient to determine the role of this variant in disease. Therefore, it has been classified as a Variant of Uncertain Significance.

Illumina Laboratory Services, Illumina
Classification: Uncertain significance for Ectopia lentis 2, isolated, autosomal recessive. Last evaluated: 2018-01-12. Review status: criteria provided, single submitter. Criteria: ICSL Variant Classification Criteria 13 December 2019. Collection method: clinical testing. Allele origin: germline.